The following is an entry in ClinVar:

NM_006231.4(POLE):c.4981C>A (p.Pro1661Thr)

Gene: POLE (DNA polymerase epsilon, catalytic subunit; minus strand). Cytogenetic location: 12q24.33.
Variant type: single nucleotide variant.
Coding change: c.4981C>A on transcript NM_006231.4 (MANE Select); coding-DNA position 4981, C replaced by A.
Protein change: p.Pro1661Thr; replaces proline 1661 with threonine.
Molecular consequence: missense variant.
Genome position (GRCh38, 1-based): chr12:132,642,369, G>T on the plus strand (C>A on the coding strand, the complement: POLE is on the minus strand). VCF-style: chr12-132642369-G-T. GRCh37 (hg19) VCF-style: chr12-133218955-G-T.
Other names: short protein forms P1661T.
Identifiers: ClinVar variation 2064638 (VCV002064638.4), dbSNP rs2138531830, ClinGen allele CA387377569.

ClinVar aggregate classification (germline): Uncertain significance (1 of 4 stars; one submission).

Submission:

Labcorp Genetics (formerly Invitae), Labcorp
Classification: Uncertain significance. Last evaluated: 2021-12-29. Review status: criteria provided, single submitter. Criteria: Invitae Variant Classification Sherloc (09022015). Collection method: clinical testing. Allele origin: germline.
Comment: In summary, the available evidence is currently insufficient to determine the role of this variant in disease. Therefore, it has been classified as a Variant of Uncertain Significance. Algorithms developed to predict the effect of missense changes on protein structure and function are either unavailable or do not agree on the potential impact of this missense change (SIFT: "Tolerated"; PolyPhen-2: "Probably Damaging"; Align-GVGD: "Class C0"). This variant has not been reported in the literature in individuals affected with POLE-related conditions. This variant is not present in population databases (gnomAD no frequency). This sequence change replaces proline, which is neutral and non-polar, with threonine, which is neutral and polar, at codon 1661 of the POLE protein (p.Pro1661Thr).